The following is an entry in ClinVar:

NM_006593.4(TBR1):c.889G>A (p.Ala297Thr)

Gene: TBR1 (T-box brain transcription factor 1; plus strand). Cytogenetic location: 2q24.2.
Variant type: single nucleotide variant.
Coding change: c.889G>A on transcript NM_006593.4 (MANE Select); coding-DNA position 889, G replaced by A.
Protein change: p.Ala297Thr; replaces alanine 297 with threonine.
Molecular consequence: missense variant.
Genome position (GRCh38, 1-based): chr2:161,418,242, G>A. VCF-style: chr2-161418242-G-A. GRCh37 (hg19) VCF-style: chr2-162274753-G-A.
Other names: short protein forms A297T.
Identifiers: ClinVar variation 4839680 (VCV004839680.1).

ClinVar aggregate classification (germline): Uncertain significance (1 of 4 stars; one submission).

Conditions:
Inborn genetic diseases. Identifiers: MedGen C0950123, MeSH D030342.

Submission:

Ambry Genetics
Classification: Uncertain significance for Inborn genetic diseases. Last evaluated: 2026-01-28. Review status: criteria provided, single submitter. Criteria: Ambry Variant Classification Scheme 2023. Collection method: clinical testing. Allele origin: germline.
Comment: The c.889G>A (p.A297T) alteration is located in exon 3 (coding exon 3) of the TBR1 gene. This alteration results from a G to A substitution at nucleotide position 889, causing the alanine (A) at amino acid position 297 to be replaced by a threonine (T). This variant was not reported in population-based cohorts in the Genome Aggregation Database (gnomAD). This amino acid position is highly conserved in available vertebrate species. This alteration is predicted to be deleterious by in silico analysis. Based on insufficient or conflicting evidence, the clinical significance of this alteration remains unclear.